The following is an entry in ClinVar:

NM_007325.5(GRIA3):c.2021A>G (p.Gln674Arg)

Gene: GRIA3 (glutamate ionotropic receptor AMPA type subunit 3; plus strand). Cytogenetic location: Xq25.
Variant type: single nucleotide variant.
Coding change: c.2021A>G on transcript NM_007325.5 (MANE Select); coding-DNA position 2021, A replaced by G.
Protein change: p.Gln674Arg; replaces glutamine 674 with arginine.
Molecular consequence: missense variant.
Genome position (GRCh38, 1-based): chrX:123,428,084, A>G. VCF-style: chrX-123428084-A-G. GRCh37 (hg19) VCF-style: chrX-122561935-A-G.
Other names: c.2021A>G, p.Gln674Arg (NM_000828.5); short protein forms Q674R.
Identifiers: ClinVar variation 2811364 (VCV002811364.3), dbSNP rs2521237928, ClinGen allele CA414260102.

ClinVar aggregate classification (germline): Uncertain significance (1 of 4 stars; one submission).

Submission:

Labcorp Genetics (formerly Invitae), Labcorp
Classification: Uncertain significance. Last evaluated: 2022-11-01. Review status: criteria provided, single submitter. Criteria: Invitae Variant Classification Sherloc (09022015). Collection method: clinical testing. Allele origin: germline.
Comment: In summary, the available evidence is currently insufficient to determine the role of this variant in disease. Therefore, it has been classified as a Variant of Uncertain Significance. Advanced modeling of protein sequence and biophysical properties (such as structural, functional, and spatial information, amino acid conservation, physicochemical variation, residue mobility, and thermodynamic stability) performed at Invitae indicates that this missense variant is not expected to disrupt GRIA3 protein function. This variant has not been reported in the literature in individuals affected with GRIA3-related conditions. This variant is not present in population databases (gnomAD no frequency). This sequence change replaces glutamine, which is neutral and polar, with arginine, which is basic and polar, at codon 674 of the GRIA3 protein (p.Gln674Arg).